The following is an entry in ClinVar:

NM_001374259.2(IL12RB2):c.50C>T (p.Thr17Met)

Gene: IL12RB2 (interleukin 12 receptor subunit beta 2; plus strand). Cytogenetic location: 1p31.3.
Variant type: single nucleotide variant.
Coding change: c.50C>T on transcript NM_001374259.2 (MANE Select); coding-DNA position 50, C replaced by T.
Protein change: p.Thr17Met; replaces threonine 17 with methionine.
Molecular consequence: missense variant. On other transcripts: non-coding transcript variant (2).
Genome position (GRCh38, 1-based): chr1:67,320,418, C>T. VCF-style: chr1-67320418-C-T. GRCh37 (hg19) VCF-style: chr1-67786101-C-T.
Other names: c.50C>T, p.Thr17Met (NM_001258214.1, NM_001258215.1, NM_001258216.1 and 2 more transcripts); c.50C>T (NM_001559.2); short protein forms T17M.
Identifiers: ClinVar variation 1384829 (VCV001384829.7), dbSNP rs200115195, ClinGen allele CA900097.

ClinVar aggregate classification (germline): Conflicting classifications of pathogenicity. Review status: criteria provided, conflicting classifications (1 of 4 stars). 2 submissions from 2 submitters: Uncertain significance (1); Likely benign (1). Last evaluated 2025-04-24.

Allele frequency attached by ClinVar (database versions not stated): ExAC 0.00002; gnomAD 0.00002 and 0.00003; TOPMed 0.00002; 1000 Genomes Project 30x 0.00016; 1000 Genomes Project 0.00020.
gnomAD v4.1: 94 of 1,613,892 alleles (0.0058%); highest among the groups gnomAD compares: Non-Finnish European, 0.0077%; no homozygotes.

Submissions (2):

Labcorp Genetics (formerly Invitae), Labcorp
Classification: Uncertain significance. Last evaluated: 2025-04-24. Review status: criteria provided, single submitter. Criteria: Invitae Variant Classification Sherloc (09022015). Collection method: clinical testing. Allele origin: germline.
Comment: This sequence change replaces threonine, which is neutral and polar, with methionine, which is neutral and non-polar, at codon 17 of the IL12RB2 protein (p.Thr17Met). This variant is present in population databases (rs200115195, gnomAD 0.008%). This variant has not been reported in the literature in individuals affected with IL12RB2-related conditions. ClinVar contains an entry for this variant (Variation ID: 1384829). An algorithm developed to predict the effect of missense changes on protein structure and function outputs the following: PolyPhen-2: "Benign". The methionine amino acid residue is found in multiple mammalian species, which suggests that this missense change does not adversely affect protein function. In summary, the available evidence is currently insufficient to determine the role of this variant in disease. Therefore, it has been classified as a Variant of Uncertain Significance.

Ambry Genetics
Classification: Likely benign. Last evaluated: 2024-07-09. Review status: criteria provided, single submitter. Criteria: Ambry Variant Classification Scheme 2023. Collection method: clinical testing. Allele origin: germline.